The following is an entry in ClinVar:

NM_001080414.4(CCDC88C):c.2900C>T (p.Ala967Val)

Gene: CCDC88C (coiled-coil and HOOK domain protein 88C; minus strand). Cytogenetic location: 14q32.11.
Variant type: single nucleotide variant.
Coding change: c.2900C>T on transcript NM_001080414.4 (MANE Select); coding-DNA position 2900, C replaced by T.
Protein change: p.Ala967Val; replaces alanine 967 with valine.
Molecular consequence: missense variant.
Genome position (GRCh38, 1-based): chr14:91,308,457, G>A on the plus strand (C>T on the coding strand, the complement: CCDC88C is on the minus strand). VCF-style: chr14-91308457-G-A. GRCh37 (hg19) VCF-style: chr14-91774801-G-A.
Other names: short protein forms A967V.
Identifiers: ClinVar variation 2114923 (VCV002114923.4), dbSNP rs2139792330, ClinGen allele CA390626719.

ClinVar aggregate classification (germline): Uncertain significance (1 of 4 stars; one submission).

Submission:

Labcorp Genetics (formerly Invitae), Labcorp
Classification: Uncertain significance. Last evaluated: 2023-04-10. Review status: criteria provided, single submitter. Criteria: Invitae Variant Classification Sherloc (09022015). Collection method: clinical testing. Allele origin: germline.
Comment: In summary, the available evidence is currently insufficient to determine the role of this variant in disease. Therefore, it has been classified as a Variant of Uncertain Significance. Algorithms developed to predict the effect of missense changes on protein structure and function output the following: SIFT: "Not Available"; PolyPhen-2: "Benign"; Align-GVGD: "Not Available". The valine amino acid residue is found in multiple mammalian species, which suggests that this missense change does not adversely affect protein function. ClinVar contains an entry for this variant (Variation ID: 2114923). This variant has not been reported in the literature in individuals affected with CCDC88C-related conditions. This variant is not present in population databases (gnomAD no frequency). This sequence change replaces alanine, which is neutral and non-polar, with valine, which is neutral and non-polar, at codon 967 of the CCDC88C protein (p.Ala967Val).